The following is an entry in ClinVar:

ClinVar aggregate classification (germline): Likely pathogenic (1 of 4 stars; one submission).

Conditions:
Fanconi anemia (FA). Also called: Fanconi's anemia. Identifiers: Orphanet 84, MedGen C0015625, MeSH D005199, MONDO:0019391.

Submission:

Labcorp Genetics (formerly Invitae), Labcorp
Classification: Likely pathogenic for Fanconi anemia. Last evaluated: 2023-04-16. Review status: criteria provided, single submitter. Criteria: Invitae Variant Classification Sherloc (09022015). Collection method: clinical testing. Allele origin: germline.
Comment: This sequence change affects a donor splice site in intron 9 of the FANCD2 gene. It is expected to disrupt RNA splicing. Variants that disrupt the donor or acceptor splice site typically lead to a loss of protein function (PMID: 16199547), and loss-of-function variants in FANCD2 are known to be pathogenic (PMID: 17436244). This variant is not present in population databases (gnomAD no frequency). This variant has not been reported in the literature in individuals affected with FANCD2-related conditions. Algorithms developed to predict the effect of sequence changes on RNA splicing suggest that this variant may disrupt the consensus splice site. In summary, the currently available evidence indicates that the variant is pathogenic, but additional data are needed to prove that conclusively. Therefore, this variant has been classified as Likely Pathogenic.

Literature cited by the submitters: PubMed 16199547; PubMed 17436244.

NM_001018115.3(FANCD2):c.695+2T>A

Genes: FANCD2 (FA complementation group D2; plus strand), LOC107303338 (3p25 FANCD2 Alu-mediated recombination region; plus strand). Cytogenetic location: 3p25.3.
Variant type: single nucleotide variant.
Coding change: c.695+2T>A on transcript NM_001018115.3 (MANE Select); the canonical splice donor site of the intron after coding-DNA position 695, T replaced by A.
Molecular consequence: splice donor variant.
Genome position (GRCh38, 1-based): chr3:10,039,847, T>A. VCF-style: chr3-10039847-T-A. GRCh37 (hg19) VCF-style: chr3-10081531-T-A.
Other names: c.695+2T>A (NM_001319984.2, NM_001374253.1, NM_033084.6 and 2 more transcripts).
Identifiers: ClinVar variation 2856789 (VCV002856789.3), dbSNP rs2470740571, ClinGen allele CA351725378.